The following is an entry in ClinVar:

ClinVar aggregate classification (germline): Likely benign (1 of 4 stars; one submission).

Conditions:
TRPC5-related disorder. Also called: TRPC5-related condition.

Submission:

PreventionGenetics, part of Exact Sciences
Classification: Likely benign for TRPC5-related condition. Last evaluated: 2026-02-25. Review status: criteria provided, single submitter. Criteria: ACMG Guidelines, 2015. Collection method: clinical testing. Allele origin: germline.
Comment: This variant is classified as likely benign based on ACMG/AMP sequence variant interpretation guidelines (Richards et al. 2015 PMID: 25741868, with internal and published modifications).

NM_012471.3(TRPC5):c.*2T>G

Gene: TRPC5 (transient receptor potential cation channel subfamily C member 5; minus strand). Cytogenetic location: Xq23.
Variant type: single nucleotide variant.
Coding change: c.*2T>G on transcript NM_012471.3 (MANE Select); 2 bases downstream of the stop codon, T replaced by G.
Molecular consequence: 3 prime UTR variant.
Genome position (GRCh38, 1-based): chrX:111,776,311, A>C on the plus strand (T>G on the coding strand, the complement: TRPC5 is on the minus strand). VCF-style: chrX-111776311-A-C. GRCh37 (hg19) VCF-style: chrX-111019539-A-C.
Identifiers: ClinVar variation 4983505 (VCV004983505.1).